The following is an entry in ClinVar:

ClinVar aggregate classification (germline): Uncertain significance (1 of 4 stars; one submission).

Conditions:
Rafiq syndrome (RAFQS). Identifiers: Orphanet 88616, MedGen C3280127, MONDO:0013624, OMIM 614202.

gnomAD v4.1: 1 of 1,614,140 alleles (0.000062%); highest among the groups gnomAD compares: Admixed American, 0.0017%; no homozygotes.

Submission:

Labcorp Genetics (formerly Invitae), Labcorp
Classification: Uncertain significance for Rafiq syndrome. Last evaluated: 2024-08-12. Review status: criteria provided, single submitter. Criteria: Invitae Variant Classification Sherloc (09022015). Collection method: clinical testing. Allele origin: germline.
Comment: This sequence change replaces glycine, which is neutral and non-polar, with tryptophan, which is neutral and slightly polar, at codon 337 of the MAN1B1 protein (p.Gly337Trp). This variant is present in population databases (no rsID available, gnomAD 0.003%). This variant has not been reported in the literature in individuals affected with MAN1B1-related conditions. An algorithm developed to predict the effect of missense changes on protein structure and function (PolyPhen-2) suggests that this variant is likely to be disruptive. In summary, the available evidence is currently insufficient to determine the role of this variant in disease. Therefore, it has been classified as a Variant of Uncertain Significance.

NM_016219.5(MAN1B1):c.1009G>T (p.Gly337Trp)

Gene: MAN1B1 (mannosidase alpha class 1B member 1; plus strand). Cytogenetic location: 9q34.3.
Variant type: single nucleotide variant.
Coding change: c.1009G>T on transcript NM_016219.5 (MANE Select); coding-DNA position 1009, G replaced by T.
Protein change: p.Gly337Trp; replaces glycine 337 with tryptophan.
Molecular consequence: missense variant. On other transcripts: non-coding transcript variant (2).
Genome position (GRCh38, 1-based): chr9:137,101,097, G>T. VCF-style: chr9-137101097-G-T. GRCh37 (hg19) VCF-style: chr9-139995549-G-T.
Other names: short protein forms G337W.
Identifiers: ClinVar variation 3719027 (VCV003719027.1).